The following is an entry in ClinVar:

NM_004525.3(LRP2):c.2303A>G (p.Gln768Arg)

Gene: LRP2 (LDL receptor related protein 2; minus strand). Cytogenetic location: 2q31.1.
Variant type: single nucleotide variant.
Coding change: c.2303A>G on transcript NM_004525.3 (MANE Select); coding-DNA position 2303, A replaced by G.
Protein change: p.Gln768Arg; replaces glutamine 768 with arginine.
Molecular consequence: missense variant.
Genome position (GRCh38, 1-based): chr2:169,270,921, T>C on the plus strand (A>G on the coding strand, the complement: LRP2 is on the minus strand). VCF-style: chr2-169270921-T-C. GRCh37 (hg19) VCF-style: chr2-170127431-T-C.
Other names: short protein forms Q768R.
Identifiers: ClinVar variation 1715620 (VCV001715620.5), dbSNP rs2528481403, ClinGen allele CA349161457.

ClinVar aggregate classification (germline): Uncertain significance (1 of 4 stars; one submission).

Submission:

Labcorp Genetics (formerly Invitae), Labcorp
Classification: Uncertain significance. Last evaluated: 2022-08-07. Review status: criteria provided, single submitter. Criteria: Invitae Variant Classification Sherloc (09022015). Collection method: clinical testing. Allele origin: germline.
Comment: In summary, the available evidence is currently insufficient to determine the role of this variant in disease. Therefore, it has been classified as a Variant of Uncertain Significance. Advanced modeling of protein sequence and biophysical properties (such as structural, functional, and spatial information, amino acid conservation, physicochemical variation, residue mobility, and thermodynamic stability) performed at Invitae indicates that this missense variant is expected to disrupt LRP2 protein function. This variant has not been reported in the literature in individuals affected with LRP2-related conditions. This variant is not present in population databases (gnomAD no frequency). This sequence change replaces glutamine, which is neutral and polar, with arginine, which is basic and polar, at codon 768 of the LRP2 protein (p.Gln768Arg).